The following is an entry in ClinVar:

ClinVar aggregate classification (germline): Benign. Review status: reviewed by expert panel (3 of 4 stars). 6 submissions from 6 submitters: Benign (1). 5 of the submissions do not count toward it. Last evaluated 2025-12-19.

Conditions:
PIK3CD-related disorder. Also called: PIK3CD-related condition.
Immunodeficiency 14 (IMD14A). Also called: p110-DELTA-ACTIVATING MUTATION CAUSING SENESCENT T CELLS, LYMPHADENOPATHY, AND IMMUNODEFICIENCY; ACTIVATED PI3K-DELTA SYNDROME 1; IMMUNODEFICIENCY 14A WITH LYMPHOPROLIFERATION, AUTOSOMAL DOMINANT; Activated PI3K Delta Syndrome Type 1 (APDS1). Identifiers: Orphanet 397596, Orphanet 693661, MedGen C5907821, MONDO:0014222, OMIM 615513.
Combined immunodeficiency with faciooculoskeletal anomalies. Also called: Roifman-Chitayat syndrome; Roifman-Chitayat syndrome, digenic; COMBINED IMMUNODEFICIENCY, FACIAL DYSMORPHISM, OPTIC NERVE ATROPHY, SKELETAL ANOMALIES, AND DEVELOPMENTAL DELAY. Identifiers: Orphanet 221139, MedGen C2750068, MONDO:0013226, OMIM 613328.
Immunodeficiency 14b, autosomal recessive. Identifiers: MedGen C5543301, MONDO:0023655, OMIM 619281.

Allele frequency attached by ClinVar (database versions not stated): gnomAD below 0.00001 and 0.00023; TOPMed 0.00006; ESP Exome Variant Server 0.00008; gnomAD exomes 0.00042 and 0.00087; ExAC 0.00106; 1000 Genomes Project 30x 0.00141; 1000 Genomes Project 0.00180.
gnomAD v4.1: 659 of 1,613,064 alleles (0.041%); highest among the groups gnomAD compares: South Asian, 0.67%; 9 homozygotes.

Submissions (6):

ClinGen Primary Immune Regulatory Disorders Variant Curation Expert Panel, ClinGen
Classification: Benign for Immunodeficiency 14. Last evaluated: 2025-12-19. Review status: reviewed by expert panel. Criteria: ClinGen AbDef ACMG Specifications PIK3CD V1.0.0. Collection method: curation. Allele origin: germline. Inheritance: Autosomal dominant inheritance.
Comment: NM_005026.5(PIK3CD):c.1394C>T (p.Thr465Met) is a missense variant that causes substitution of threonine by methionine at amino acid 465 (p.Thr465Met). This variant is present in gnomAD v.4.1.0 at a GrpMax allele frequency of 0.0063, with 614 alleles / 91,080 total alleles in the South Asian population, which is higher than the ClinGen Antibody Deficiencies VCEP BA1 threshold of 0.00316 (BA1). This variant has been reported in at least 2 probands who did not meet the VCEP standard for phenotypic criteria. The phenotype in one proband included a diagnosis of common variable immunodeficiency with recurrent diarrhea (1 pt), agammaglobulinemia (0.5 pts), and low NK cells (1 pt), while the phenotype of the second proband included recurrent fever and pancytopenia (1 pt), both with next-generation sequencing-based genotyping that did not identify an alternative basis of disease in the PIK3R1 gene (PMID: 33225392). The probands were not evaluated for PS4_Supporting as the phenotypes were not sufficiently specific for immunodeficiency 14 and because the variant had met BA1. The computational predictor REVEL gives a score of 0.274, which is below the ClinGen Antibody Deficiencies VCEP threshold of <0.290 and predicts a non-damaging effect on PIK3CD function. The computational predictor CADD gives a PHRED score of 23.3, which is above the ClinGen Antibody Deficiencies VCEP threshold of <22.7 and does not predict a non-deleterious effect on PIK3CD function. Because the two predictors do not agree on a non-damaging effect, BP4 is not met. In summary, this variant meets the criteria to be classified as benign for autosomal dominant immunodeficiency 14 based on the ACMG/AMP criteria applied, as specified by the ClinGen Antibody Deficiencies VCEP: BA1. (VCEP specifications version 1.0.0).

Labcorp Genetics (formerly Invitae), Labcorp
Classification: Benign for Activated PI3K-delta syndrome. Last evaluated: 2026-01-15. Review status: criteria provided, single submitter. Criteria: Invitae Variant Classification Sherloc (09022015). Collection method: clinical testing. Allele origin: germline. Not counted in ClinVar's aggregate classification.

CeGaT Center for Human Genetics Tuebingen
Classification: Likely benign. Last evaluated: 2025-07-01. Review status: criteria provided, single submitter. Criteria: CeGaT Center For Human Genetics Tuebingen Variant Classification Criteria Version 2. Collection method: clinical testing. Allele origin: germline. Affected: yes. Observed: 2 variant alleles. Not counted in ClinVar's aggregate classification.
Comment: PIK3CD: BP4, BS2

Blueprint Genetics
Classification: Likely benign. Last evaluated: 2024-10-25. Review status: criteria provided, single submitter. Criteria: ACMG Guidelines, 2015. Collection method: clinical testing. Allele origin: germline. Not counted in ClinVar's aggregate classification.

Fulgent Genetics
Classification: Benign for Combined immunodeficiency with faciooculoskeletal anomalies; Immunodeficiency 14; Immunodeficiency 14b, autosomal recessive. Last evaluated: 2022-05-12. Review status: criteria provided, single submitter. Criteria: ACMG Guidelines, 2015. Collection method: clinical testing. Allele origin: unknown. Not counted in ClinVar's aggregate classification.

PreventionGenetics, part of Exact Sciences
Classification: Likely benign for PIK3CD-related condition. Last evaluated: 2021-01-15. Review status: no assertion criteria provided. Collection method: clinical testing. Allele origin: germline. Not counted in ClinVar's aggregate classification.
Comment: This variant is classified as likely benign based on ACMG/AMP sequence variant interpretation guidelines (Richards et al. 2015 PMID: 25741868, with internal and published modifications).

NM_005026.5(PIK3CD):c.1394C>T (p.Thr465Met)

Genes: PIK3CD (phosphatidylinositol-4,5-bisphosphate 3-kinase catalytic subunit delta; plus strand), LOC126805612 (MED14-independent group 3 enhancer GRCh37_chr1:9778914-9780113; plus strand). Cytogenetic location: 1p36.22.
Variant type: single nucleotide variant.
Coding change: c.1394C>T on transcript NM_005026.5 (MANE Select); coding-DNA position 1394, C replaced by T.
Protein change: p.Thr465Met; replaces threonine 465 with methionine.
Molecular consequence: missense variant.
Genome position (GRCh38, 1-based): chr1:9,720,166, C>T. VCF-style: chr1-9720166-C-T. GRCh37 (hg19) VCF-style: chr1-9780224-C-T.
Other names: NM_005026.5(PIK3CD):c.1394C>T; p.Thr465Met; c.1394C>T, p.Thr465Met (NM_001350234.2); c.1307C>T, p.Thr436Met (NM_001350235.1); short protein forms T436M, T465M.
Identifiers: ClinVar variation 709503 (VCV000709503.38), dbSNP rs368722127, ClinGen allele CA577186.
Genomic context (GRCh38, chr1:9,720,166, plus strand): 5'-GTTCAGATGAGAAGGGCGAGCTGCTGAACCCCACGGGCACTGTGCGCAGTAACCCCAACA[C>T]GGATAGCGCCGCTGCCCTGCTCATCTGCCTGCCCGAGGTGGCCCCGCACCCCGTGTACTA-3'
Protein context (NP_005017.3, residues 455-475): PTGTVRSNPN[Thr465Met]DSAAALLICL